The following is an entry in ClinVar:

NM_003283.6(TNNT1):c.32+5G>A

Gene: TNNT1 (troponin T1, slow skeletal type; minus strand). Cytogenetic location: 19q13.42.
Variant type: single nucleotide variant.
Coding change: c.32+5G>A on transcript NM_003283.6 (MANE Select); 5 bases into the intron after coding-DNA position 32, G replaced by A.
Molecular consequence: intron variant.
Genome position (GRCh38, 1-based): chr19:55,147,121, C>T on the plus strand (G>A on the coding strand, the complement: TNNT1 is on the minus strand). VCF-style: chr19-55147121-C-T. GRCh37 (hg19) VCF-style: chr19-55658489-C-T.
Other names: c.32+5G>A (NM_001126133.3, NM_001126132.3, NM_001291774.2).
Identifiers: ClinVar variation 465995 (VCV000465995.12), dbSNP rs1555859876, ClinGen allele CA658658865.

ClinVar aggregate classification (germline): Conflicting classifications of pathogenicity. Review status: criteria provided, conflicting classifications (1 of 4 stars). 2 submissions from 2 submitters: Likely pathogenic (1); Uncertain significance (1). Last evaluated 2022-09-25.

Conditions:
Nemaline myopathy 5 (NEM5A). Also called: NEMALINE MYOPATHY, AMISH TYPE; Nemaline myopathy 5, Amish type; NEMALINE MYOPATHY 5A, AUTOSOMAL RECESSIVE, SEVERE INFANTILE. Identifiers: Orphanet 98902, MedGen C1854380, MONDO:0011539, OMIM 605355.
Inborn genetic diseases. Identifiers: MedGen C0950123, MeSH D030342.

Submissions (2):

Labcorp Genetics (formerly Invitae), Labcorp
Classification: Likely pathogenic for Nemaline myopathy 5. Last evaluated: 2022-09-25. Review status: criteria provided, single submitter. Criteria: Invitae Variant Classification Sherloc (09022015). Collection method: clinical testing. Allele origin: germline.
Comment: This sequence change falls in intron 2 of the TNNT1 gene. It does not directly change the encoded amino acid sequence of the TNNT1 protein. It affects a nucleotide within the consensus splice site. This variant is not present in population databases (gnomAD no frequency). This variant has been observed in individual(s) with clinical features for nemaline myopathy (Invitae). ClinVar contains an entry for this variant (Variation ID: 465995). Variants that disrupt the consensus splice site are a relatively common cause of aberrant splicing (PMID: 17576681, 9536098). Algorithms developed to predict the effect of sequence changes on RNA splicing suggest that this variant may disrupt the consensus splice site. In summary, the currently available evidence indicates that the variant is pathogenic, but additional data are needed to prove that conclusively. Therefore, this variant has been classified as Likely Pathogenic.

Ambry Genetics
Classification: Uncertain significance for Hereditary disease. Last evaluated: 2017-05-25. Review status: criteria provided, single submitter. Criteria: ambry_reporting_categories_2017. Collection method: clinical testing. Allele origin: germline. Affected: yes. Observed: 1 homozygote. Segregation with disease observed.
Comment: Lines of evidence used in support of classification: POSITIVE: Relevant Alteration(s) Detected

Literature cited by the submitters: PubMed 17576681 (cited by Labcorp Genetics (formerly Invitae), Labcorp); PubMed 9536098 (cited by Labcorp Genetics (formerly Invitae), Labcorp); PubMed 26296490 (cited by Ambry Genetics); PubMed 25430424 (cited by Ambry Genetics); PubMed 10952871 (cited by Ambry Genetics); PubMed 12732643 (cited by Ambry Genetics); PubMed 24689076 (cited by Ambry Genetics); PubMed 27790152 (cited by Ambry Genetics); PubMed 25712079 (cited by Ambry Genetics).